The following is an entry in ClinVar:

ClinVar aggregate classification (germline): Likely benign (1 of 4 stars; one submission).

Conditions:
Mitochondrial trifunctional protein deficiency. Identifiers: Orphanet 746, MedGen C1969443, MONDO:0012172.

Allele frequency attached by ClinVar (database versions not stated): gnomAD below 0.00001 and 0.00007; gnomAD exomes 0.00012; 1000 Genomes Project 30x 0.00047; 1000 Genomes Project 0.00060.
gnomAD v4.1: 12 of 170,070 alleles (0.0071%); highest among the groups gnomAD compares: South Asian, 0.17%; no homozygotes.

Submission:

Illumina Laboratory Services, Illumina
Classification: Likely benign for Mitochondrial trifunctional protein deficiency 1. Last evaluated: 2018-01-12. Review status: criteria provided, single submitter. Criteria: ICSL Variant Classification Criteria 13 December 2019. Collection method: clinical testing. Allele origin: germline.
Comment: This variant was observed in the ICSL laboratory as part of a predisposition screen in an ostensibly healthy population. It had not been previously curated by ICSL or reported in the Human Gene Mutation Database (HGMD: prior to June 1st, 2018), and was therefore a candidate for classification through an automated scoring system. Utilizing variant allele frequency, disease prevalence and penetrance estimates, and inheritance mode, an automated score was calculated to assess if this variant is too frequent to cause the disease. Based on the score and internal cut-off values, a variant classified as likely benign is not then subjected to further curation. The score for this variant resulted in a classification of likely benign for this disease.

NM_000183.3(HADHB):c.*500G>A

Gene: HADHB (hydroxyacyl-CoA dehydrogenase trifunctional multienzyme complex subunit beta; plus strand). Cytogenetic location: 2p23.3.
Variant type: single nucleotide variant.
Coding change: c.*500G>A on transcript NM_000183.3 (MANE Select); 500 bases downstream of the stop codon, G replaced by A.
Molecular consequence: 3 prime UTR variant.
Genome position (GRCh38, 1-based): chr2:26,290,453, G>A. VCF-style: chr2-26290453-G-A. GRCh37 (hg19) VCF-style: chr2-26513321-G-A.
Other names: c.*500G>A (NM_001281512.2, NM_001281513.2).
Identifiers: ClinVar variation 896270 (VCV000896270.4), dbSNP rs538337605, ClinGen allele CA44347740.
Genomic context (GRCh38, chr2:26,290,453, plus strand): 5'-ACTGAAAACTTATAAAAAATGTTTAGATACATAAATATGGTGGTCAGCGTTAATAAAGTG[G>A]AGAAATATTGGAGAACTGTTTACCTCATTTTTTATTCATCAGGGGAGGGTGGTTCTCTTG-3'